The following is an entry in ClinVar:

NM_017780.4(CHD7):c.5345C>T (p.Pro1782Leu)

Gene: CHD7 (chromodomain helicase DNA binding protein 7; plus strand). Cytogenetic location: 8q12.2.
Variant type: single nucleotide variant.
Coding change: c.5345C>T on transcript NM_017780.4 (MANE Select); coding-DNA position 5345, C replaced by T.
Protein change: p.Pro1782Leu; replaces proline 1782 with leucine.
Molecular consequence: missense variant. On other transcripts: intron variant (1).
Genome position (GRCh38, 1-based): chr8:60,849,095, C>T. VCF-style: chr8-60849095-C-T. GRCh37 (hg19) VCF-style: chr8-61761654-C-T.
Other names: c.1717-13134C>T (NM_001316690.1); short protein forms P1782L.
Identifiers: ClinVar variation 908830 (VCV000908830.5), dbSNP rs891268640, ClinGen allele CA177352607.
Genomic context (GRCh38, chr8:60,849,095, plus strand): 5'-AAATGTTGTCTTTCAGTGAAGCCGATGTGTGGATCCCTGAACCTTTCCATGCTGAAGTTC[C>T]TGCAGATTGGTGGGATAAGGAAGCAGACAAATCCCTCTTAATTGGAGTGTTCAAACATGG-3'
Protein context (NP_060250.2, residues 1772-1792): WIPEPFHAEV[Pro1782Leu]ADWWDKEADK

ClinVar aggregate classification (germline): Uncertain significance. Review status: criteria provided, multiple submitters, no conflicts (2 of 4 stars). 2 submissions from 2 submitters: Uncertain significance (2). Last evaluated 2025-08-11.

Conditions:
Hypogonadotropic hypogonadism 5 with or without anosmia (KAL5). Also called: HYPOGONADOTROPIC HYPOGONADISM 5 WITH ANOSMIA; HYPOGONADOTROPHIC HYPOGONADISM 5 WITHOUT ANOSMIA; CHD7-Related GnRH Deficiency (Kallmann Syndrome 5). Identifiers: Orphanet 478, MedGen C3552553, MONDO:0012880, OMIM 612370. Disease mechanism: loss of function.
CHARGE syndrome (CHARGE). Also called: CHARGE ASSOCIATION--COLOBOMA, HEART ANOMALY, CHOANAL ATRESIA, RETARDATION, GENITAL AND EAR ANOMALIES; Coloboma, heart anomaly, choanal atresia, retardation, genital and ear anomalies; CHARGE association; Hall-Hittner syndrome; Hittner Hirsch Kreh syndrome. Identifiers: Orphanet 138, MedGen C0265354, MONDO:0008965.

Submissions (2):

Labcorp Genetics (formerly Invitae), Labcorp
Classification: Uncertain significance for CHARGE syndrome. Last evaluated: 2025-08-11. Review status: criteria provided, single submitter. Criteria: Invitae Variant Classification Sherloc (09022015). Collection method: clinical testing. Allele origin: germline.
Comment: This sequence change replaces proline, which is neutral and non-polar, with leucine, which is neutral and non-polar, at codon 1782 of the CHD7 protein (p.Pro1782Leu). This variant is not present in population databases (gnomAD no frequency). This variant has not been reported in the literature in individuals affected with CHD7-related conditions. ClinVar contains an entry for this variant (Variation ID: 908830). Invitae Evidence Modeling of protein sequence and biophysical properties (such as structural, functional, and spatial information, amino acid conservation, physicochemical variation, residue mobility, and thermodynamic stability) has been performed for this missense variant. However, the output from this modeling did not meet the statistical confidence thresholds required to predict the impact of this variant on CHD7 protein function. In summary, the available evidence is currently insufficient to determine the role of this variant in disease. Therefore, it has been classified as a Variant of Uncertain Significance.

Illumina Laboratory Services, Illumina
Classification: Uncertain significance for Kallmann Syndrome 5. Last evaluated: 2018-01-13. Review status: criteria provided, single submitter. Criteria: ICSL Variant Classification Criteria 13 December 2019. Collection method: clinical testing. Allele origin: germline.